The following is an entry in ClinVar:

ClinVar aggregate classification (germline): Uncertain significance (1 of 4 stars; one submission).

Conditions:
Hereditary cancer-predisposing syndrome. Also called: Neoplastic Syndromes, Hereditary; Tumor predisposition; Hereditary Cancer Syndrome; Hereditary neoplastic syndrome. Identifiers: Orphanet 140162, MedGen C0027672, MeSH D009386, MONDO:0015356.

Submission:

Ambry Genetics
Classification: Uncertain significance for Hereditary cancer-predisposing syndrome. Last evaluated: 2026-05-14. Review status: criteria provided, single submitter. Criteria: Ambry Variant Classification Scheme 2023. Collection method: clinical testing. Allele origin: germline.
Comment: The p.E1539V variant (also known as c.4616A>T), located in coding exon 36 of the POLE gene, results from an A to T substitution at nucleotide position 4616. The glutamic acid at codon 1539 is replaced by valine, an amino acid with dissimilar properties. This amino acid position is conserved. In addition, this alteration is predicted to be tolerated by in silico analysis. Based on the available evidence, the clinical significance of this variant remains unclear.

NM_006231.4(POLE):c.4616A>T (p.Glu1539Val)

Gene: POLE (DNA polymerase epsilon, catalytic subunit; minus strand). Cytogenetic location: 12q24.33.
Variant type: single nucleotide variant.
Coding change: c.4616A>T on transcript NM_006231.4 (MANE Select); coding-DNA position 4616, A replaced by T.
Protein change: p.Glu1539Val; replaces glutamic acid 1539 with valine.
Molecular consequence: missense variant.
Genome position (GRCh38, 1-based): chr12:132,642,932, T>A on the plus strand (A>T on the coding strand, the complement: POLE is on the minus strand). VCF-style: chr12-132642932-T-A. GRCh37 (hg19) VCF-style: chr12-133219518-T-A.
Other names: short protein forms E1539V.
Identifiers: ClinVar variation 4862314 (VCV004862314.1).